The following is an entry in ClinVar:

NM_000051.4(ATM):c.2367C>G (p.Asn789Lys)

Gene: ATM (ATM serine/threonine kinase; plus strand). Cytogenetic location: 11q22.3.
Variant type: single nucleotide variant.
Coding change: c.2367C>G on transcript NM_000051.4 (MANE Select); coding-DNA position 2367, C replaced by G.
Protein change: p.Asn789Lys; replaces asparagine 789 with lysine.
Molecular consequence: missense variant.
Genome position (GRCh38, 1-based): chr11:108,257,597, C>G. VCF-style: chr11-108257597-C-G. GRCh37 (hg19) VCF-style: chr11-108128324-C-G.
Other names: c.2367C>G, p.Asn789Lys (NM_001351834.2); short protein forms N789K.
Identifiers: ClinVar variation 948561 (VCV000948561.10), dbSNP rs2080585059, ClinGen allele CA382540365.

ClinVar aggregate classification (germline): Uncertain significance. Review status: criteria provided, multiple submitters, no conflicts (2 of 4 stars). 2 submissions from 2 submitters: Uncertain significance (2). Last evaluated 2024-12-10.

Conditions:
Ataxia-telangiectasia syndrome (AT). Also called: Ataxia-telangiectasia, complementation group E; Ataxia telangiectasia (A-T); LOUIS-BAR SYNDROME; ATAXIA-TELANGIECTASIA, FRESNO VARIANT; AT, COMPLEMENTATION GROUP C; Ataxia-telangiectasia. Identifiers: Orphanet 100, MedGen C0004135, MONDO:0008840, OMIM 208900.

Submissions (2):

Women's Health and Genetics/Laboratory Corporation of America, LabCorp
Classification: Uncertain significance. Last evaluated: 2024-12-10. Review status: criteria provided, single submitter. Criteria: LabCorp Variant Classification Summary - May 2015. Collection method: clinical testing. Allele origin: germline.
Comment: Variant summary: ATM c.2367C>G (p.Asn789Lys) results in a non-conservative amino acid change in the encoded protein sequence. Four of five in-silico tools predict a benign effect of the variant on protein function. The variant was absent in 251094 control chromosomes. The available data on variant occurrences in the general population are insufficient to allow any conclusion about variant significance. To our knowledge, no occurrence of c.2367C>G in individuals affected with Ataxia-Telangiectasia and no experimental evidence demonstrating its impact on protein function have been reported. ClinVar contains an entry for this variant (Variation ID: 948561). Based on the evidence outlined above, the variant was classified as uncertain significance.

Labcorp Genetics (formerly Invitae), Labcorp
Classification: Uncertain significance for Ataxia-telangiectasia syndrome. Last evaluated: 2024-01-15. Review status: criteria provided, single submitter. Criteria: Invitae Variant Classification Sherloc (09022015). Collection method: clinical testing. Allele origin: germline.
Comment: This sequence change replaces asparagine, which is neutral and polar, with lysine, which is basic and polar, at codon 789 of the ATM protein (p.Asn789Lys). This variant is not present in population databases (gnomAD no frequency). This variant has not been reported in the literature in individuals affected with ATM-related conditions. ClinVar contains an entry for this variant (Variation ID: 948561). Algorithms developed to predict the effect of missense changes on protein structure and function output the following: SIFT: "Not Available"; PolyPhen-2: "Benign"; Align-GVGD: "Not Available". The lysine amino acid residue is found in multiple mammalian species, which suggests that this missense change does not adversely affect protein function. In summary, the available evidence is currently insufficient to determine the role of this variant in disease. Therefore, it has been classified as a Variant of Uncertain Significance.